The following is an entry in ClinVar:

NM_020919.4(ALS2):c.3808G>A (p.Glu1270Lys)

Gene: ALS2 (alsin Rho guanine nucleotide exchange factor ALS2; minus strand). Cytogenetic location: 2q33.1.
Variant type: single nucleotide variant.
Coding change: c.3808G>A on transcript NM_020919.4 (MANE Select); coding-DNA position 3808, G replaced by A.
Protein change: p.Glu1270Lys; replaces glutamic acid 1270 with lysine.
Molecular consequence: missense variant.
Genome position (GRCh38, 1-based): chr2:201,718,105, C>T on the plus strand (G>A on the coding strand, the complement: ALS2 is on the minus strand). VCF-style: chr2-201718105-C-T. GRCh37 (hg19) VCF-style: chr2-202582828-C-T.
Other names: c.3808G>A, p.Glu1270Lys (NM_001410975.1); short protein forms E1270K.
Identifiers: ClinVar variation 2420952 (VCV002420952.6), dbSNP rs1690524963, ClinGen allele CA350317861.

ClinVar aggregate classification (germline): Uncertain significance (1 of 4 stars; one submission).

Conditions:
Infantile-onset ascending hereditary spastic paralysis (IAHSP). Also called: Autosomal Recessive Juvenile Amyotrophic Lateral Sclerosis; Infantile-Onset Ascending Hereditary Spastic Paralysis (IAHSP). Identifiers: Orphanet 293168, MedGen C2931441, MONDO:0011797, OMIM 607225. Disease mechanism: loss of function.

Allele frequency attached by ClinVar (database versions not stated): gnomAD exomes below 0.00001; gnomAD 0.00001; TOPMed 0.00001.
gnomAD v4.1: 3 of 1,613,482 alleles (0.00019%); highest among the groups gnomAD compares: Non-Finnish European, 0.00025%; no homozygotes.

Submission:

Labcorp Genetics (formerly Invitae), Labcorp
Classification: Uncertain significance for Infantile-onset ascending hereditary spastic paralysis. Last evaluated: 2022-07-01. Review status: criteria provided, single submitter. Criteria: Invitae Variant Classification Sherloc (09022015). Collection method: clinical testing. Allele origin: germline.
Comment: In summary, the available evidence is currently insufficient to determine the role of this variant in disease. Therefore, it has been classified as a Variant of Uncertain Significance. Algorithms developed to predict the effect of missense changes on protein structure and function (SIFT, PolyPhen-2, Align-GVGD) all suggest that this variant is likely to be tolerated. This variant has not been reported in the literature in individuals affected with ALS2-related conditions. This variant is not present in population databases (gnomAD no frequency). This sequence change replaces glutamic acid, which is acidic and polar, with lysine, which is basic and polar, at codon 1270 of the ALS2 protein (p.Glu1270Lys).